The following is an entry in ClinVar:

ClinVar aggregate classification (germline): Uncertain significance (1 of 4 stars; one submission).

Conditions:
Cardiovascular phenotype. Identifiers: MedGen CN230736.

Submission:

Ambry Genetics
Classification: Uncertain significance for Cardiovascular phenotype. Last evaluated: 2024-10-22. Review status: criteria provided, single submitter. Criteria: Ambry Variant Classification Scheme 2023. Collection method: clinical testing. Allele origin: germline.
Comment: The p.S192W variant (also known as c.575C>G), located in coding exon 2 of the JPH2 gene, results from a C to G substitution at nucleotide position 575. The serine at codon 192 is replaced by tryptophan, an amino acid with highly dissimilar properties. This amino acid position is conserved. In addition, this alteration is predicted to be tolerated by in silico analysis. Based on the available evidence, the clinical significance of this variant remains unclear.

NM_020433.5(JPH2):c.575C>G (p.Ser192Trp)

Gene: JPH2 (junctophilin 2; minus strand). Cytogenetic location: 20q13.12.
Variant type: single nucleotide variant.
Coding change: c.575C>G on transcript NM_020433.5 (MANE Select); coding-DNA position 575, C replaced by G.
Protein change: p.Ser192Trp; replaces serine 192 with tryptophan.
Molecular consequence: missense variant.
Genome position (GRCh38, 1-based): chr20:44,160,212, G>C on the plus strand (C>G on the coding strand, the complement: JPH2 is on the minus strand). VCF-style: chr20-44160212-G-C. GRCh37 (hg19) VCF-style: chr20-42788852-G-C.
Other names: short protein forms S192W.
Identifiers: ClinVar variation 3531494 (VCV003531494.1).
Genomic context (GRCh38, chr20:44,160,212, plus strand): 5'-GCGGCCGCCTCGGCATTGGCCAGGAGGCTGAGCGCGAAGCCGCCACGCGGGATGGCGGGC[G>C]AGGGCAGCGCGGGGCCGTCGGAGGCCGGCGAGGCGGGAGAGTCCGGGGCCACCGTGCCGT-3'
Protein context (NP_065166.2, residues 182-202): SPASDGPALP[Ser192Trp]PAIPRGGFAL